The following is an entry in ClinVar:

NM_198586.3(NHLRC1):c.285A>G (p.Ser95=)

Gene: NHLRC1 (NHL repeat containing E3 ubiquitin protein ligase 1; minus strand). Cytogenetic location: 6p22.3.
Variant type: single nucleotide variant.
Coding change: c.285A>G on transcript NM_198586.3 (MANE Select); coding-DNA position 285, A replaced by G.
Protein change: p.Ser95=; no amino-acid change (serine 95 retained).
Molecular consequence: synonymous variant.
Genome position (GRCh38, 1-based): chr6:18,122,322, T>C on the plus strand (A>G on the coding strand, the complement: NHLRC1 is on the minus strand). VCF-style: chr6-18122322-T-C. GRCh37 (hg19) VCF-style: chr6-18122553-T-C.
Identifiers: ClinVar variation 384010 (VCV000384010.10), dbSNP rs1057521817, ClinGen allele CA16604919.
Genomic context (GRCh38, chr6:18,122,322, plus strand): 5'-GGTGAGGGCTCCGGGGGCGCTGGGGGCGGCGCGATGGGCGGCCGGGGACTGGCGAAGCGC[T>C]GAGCCCAGGAGCTCTATGAGGTGCAGCACCGGCAGGCAGTCGCTGGTGTCGCAGCCCCGG-3'
Protein context (NP_940988.2, residues 85-105): PVLHLIELLG[Ser95=]ALRQSPAAHR

ClinVar aggregate classification (germline): Likely benign. Review status: criteria provided, multiple submitters, no conflicts (2 of 4 stars). 2 submissions from 2 submitters: Likely benign (2). Last evaluated 2025-10-11.

Conditions:
Lafora disease. Also called: Epilepsy progressive myoclonic 2; Progressive Myoclonus Epilepsy, Lafora Type. Identifiers: Orphanet 501, MedGen C0751783, MONDO:0009697.

Allele frequency attached by ClinVar (database versions not stated): gnomAD 0.00001; gnomAD exomes 0.00001 and 0.00002.

Submissions (2):

Labcorp Genetics (formerly Invitae), Labcorp
Classification: Likely benign for Lafora disease. Last evaluated: 2025-10-11. Review status: criteria provided, single submitter. Criteria: Invitae Variant Classification Sherloc (09022015). Collection method: clinical testing. Allele origin: germline.

GeneDx
Classification: Likely benign. Last evaluated: 2016-03-02. Review status: criteria provided, single submitter. Criteria: GeneDx Variant Classification (06012015). Collection method: clinical testing. Allele origin: germline. Affected: yes.
Comment: This variant is considered likely benign or benign based on one or more of the following criteria: it is a conservative change, it occurs at a poorly conserved position in the protein, it is predicted to be benign by multiple in silico algorithms, and/or has population frequency not consistent with disease.